The following is an entry in ClinVar:

ClinVar aggregate classification (germline): Uncertain significance. Review status: criteria provided, multiple submitters, no conflicts (2 of 4 stars). 2 submissions from 2 submitters: Uncertain significance (2). Last evaluated 2025-08-10.

Conditions:
Inborn genetic diseases. Identifiers: MedGen C0950123, MeSH D030342.

Allele frequency attached by ClinVar (database versions not stated): gnomAD 0.00001; TOPMed 0.00001.
gnomAD v4.1: 2 of 1,549,546 alleles (0.00013%); highest among the groups gnomAD compares: East Asian, 0.0024%; no homozygotes.

Submissions (2):

Ambry Genetics
Classification: Uncertain significance for Inborn genetic diseases. Last evaluated: 2025-08-10. Review status: criteria provided, single submitter. Criteria: Ambry Variant Classification Scheme 2023. Collection method: clinical testing. Allele origin: germline.

Labcorp Genetics (formerly Invitae), Labcorp
Classification: Uncertain significance. Last evaluated: 2022-01-01. Review status: criteria provided, single submitter. Criteria: Invitae Variant Classification Sherloc (09022015). Collection method: clinical testing. Allele origin: germline.
Comment: Algorithms developed to predict the effect of missense changes on protein structure and function (SIFT, PolyPhen-2, Align-GVGD) all suggest that this variant is likely to be tolerated. This variant has not been reported in the literature in individuals affected with DLL1-related conditions. The frequency data for this variant in the population databases is considered unreliable, as metrics indicate poor data quality at this position in the gnomAD database. This sequence change replaces glycine, which is neutral and non-polar, with aspartic acid, which is acidic and polar, at codon 48 of the DLL1 protein (p.Gly48Asp). In summary, the available evidence is currently insufficient to determine the role of this variant in disease. Therefore, it has been classified as a Variant of Uncertain Significance.

NM_005618.4(DLL1):c.143G>A (p.Gly48Asp)

Gene: DLL1 (delta like canonical Notch ligand 1; minus strand). Cytogenetic location: 6q27.
Variant type: single nucleotide variant.
Coding change: c.143G>A on transcript NM_005618.4 (MANE Select); coding-DNA position 143, G replaced by A.
Protein change: p.Gly48Asp; replaces glycine 48 with aspartic acid.
Molecular consequence: missense variant.
Genome position (GRCh38, 1-based): chr6:170,289,720, C>T on the plus strand (G>A on the coding strand, the complement: DLL1 is on the minus strand). VCF-style: chr6-170289720-C-T. GRCh37 (hg19) VCF-style: chr6-170598808-C-T.
Other names: c.143G>A (NM_005618.3); short protein forms G48D.
Identifiers: ClinVar variation 2416552 (VCV002416552.7), dbSNP rs889256403, ClinGen allele CA152196139.